The following is an entry in ClinVar:

ClinVar aggregate classification (germline): Uncertain significance. Review status: criteria provided, multiple submitters, no conflicts (2 of 4 stars). 3 submissions from 3 submitters: Uncertain significance (2). 1 of the submissions does not count toward it. Last evaluated 2019-03-28.

Conditions:
Usher syndrome type 1 (USH1). Also called: RETINITIS PIGMENTOSA AND CONGENITAL DEAFNESS. Identifiers: Orphanet 231169, Orphanet 886, MedGen C1568247, MONDO:0010168, OMIM 276900.

Allele frequency attached by ClinVar (database versions not stated): ExAC 0.00002; 1000 Genomes Project 30x 0.00016; 1000 Genomes Project 0.00020.
gnomAD v4.1: 3 of 1,609,750 alleles (0.00019%); highest among the groups gnomAD compares: African/African-American, 0.0027%; no homozygotes.

Submissions (3):

GeneDx
Classification: Uncertain significance. Last evaluated: 2019-03-28. Review status: criteria provided, single submitter. Criteria: GeneDx Variant Classification Process June 2021. Collection method: clinical testing. Allele origin: germline. Affected: yes.
Comment: Not observed at a significant frequency in large population cohorts (Lek et al., 2016); In silico analysis, which includes protein predictors and evolutionary conservation, supports that this variant does not alter protein structure/function; Has not been previously published as pathogenic or benign to our knowledge

Laboratory for Molecular Medicine, Mass General Brigham Personalized Medicine
Classification: Uncertain significance. Last evaluated: 2014-08-21. Review status: criteria provided, single submitter. Criteria: LMM Criteria. Collection method: clinical testing. Allele origin: germline. Observed: 1 variant allele.
Comment: The Pro2551Ala variant in CDH23 has not been previously reported in individuals with hearing loss and was absent from large population studies. Computational pr ediction tools and conservation analyses suggest that the Pro2551Ala variant may impact the protein, though this information is not predictive enough to determi ne pathogenicity. In summary, the clinical significance of the Pro2551Ala varian t is uncertain.

Natera, Inc.
Classification: Uncertain significance for Usher syndrome type 1. Last evaluated: 2019-10-28. Review status: no assertion criteria provided. Collection method: clinical testing. Allele origin: germline. Not counted in ClinVar's aggregate classification.

NM_022124.6(CDH23):c.7651C>G (p.Pro2551Ala)

Gene: CDH23 (cadherin related 23; plus strand). Cytogenetic location: 10q22.1.
Variant type: single nucleotide variant.
Coding change: c.7651C>G on transcript NM_022124.6 (MANE Select); coding-DNA position 7651, C replaced by G.
Protein change: p.Pro2551Ala; replaces proline 2551 with alanine.
Molecular consequence: missense variant.
Genome position (GRCh38, 1-based): chr10:71,803,066, C>G. VCF-style: chr10-71803066-C-G. GRCh37 (hg19) VCF-style: chr10-73562823-C-G.
Other names: c.931C>G, p.Pro311Ala (NM_001171933.1, NM_001171934.1); short protein forms P2551A, P311A.
Identifiers: ClinVar variation 179924 (VCV000179924.7), dbSNP rs548188123, ClinGen allele CA185439.